The following is an entry in ClinVar:

ClinVar aggregate classification (germline): Uncertain significance (1 of 4 stars; one submission).

Conditions:
Hereditary pancreatitis (PCTT). Also called: Hereditary chronic pancreatitis; PRSS1-Related Hereditary Pancreatitis. Identifiers: Orphanet 676, MedGen C0238339, MONDO:0008185, OMIM 167800.

Submission:

Ambry Genetics
Classification: Uncertain significance for Hereditary pancreatitis. Last evaluated: 2025-07-14. Review status: criteria provided, single submitter. Criteria: Ambry Variant Classification Scheme 2023. Collection method: clinical testing. Allele origin: germline.
Comment: The p.V31A variant (also known as c.92T>C), located in coding exon 2 of the CTRC gene, results from a T to C substitution at nucleotide position 92. The valine at codon 31 is replaced by alanine, an amino acid with similar properties. This amino acid position is highly conserved in available vertebrate species. In addition, this alteration is predicted to be deleterious by in silico analysis. Based on the available evidence, the clinical significance of this variant remains unclear.

NM_007272.3(CTRC):c.92T>C (p.Val31Ala)

Gene: CTRC (chymotrypsin C; plus strand). Cytogenetic location: 1p36.21.
Variant type: single nucleotide variant.
Coding change: c.92T>C on transcript NM_007272.3 (MANE Select); coding-DNA position 92, T replaced by C.
Protein change: p.Val31Ala; replaces valine 31 with alanine.
Molecular consequence: missense variant.
Genome position (GRCh38, 1-based): chr1:15,440,351, T>C. VCF-style: chr1-15440351-T-C. GRCh37 (hg19) VCF-style: chr1-15766847-T-C.
Other names: short protein forms V31A.
Identifiers: ClinVar variation 4235799 (VCV004235799.1).